The following is an entry in ClinVar:

NM_005035.4(POLRMT):c.1664A>C (p.Glu555Ala)

Gene: POLRMT (RNA polymerase mitochondrial; minus strand). Cytogenetic location: 19p13.3.
Variant type: single nucleotide variant.
Coding change: c.1664A>C on transcript NM_005035.4 (MANE Select); coding-DNA position 1664, A replaced by C.
Protein change: p.Glu555Ala; replaces glutamic acid 555 with alanine.
Molecular consequence: missense variant. On other transcripts: non-coding transcript variant (1), intron variant (2).
Genome position (GRCh38, 1-based): chr19:622,336, T>G on the plus strand (A>C on the coding strand, the complement: POLRMT is on the minus strand). VCF-style: chr19-622336-T-G. GRCh37 (hg19) VCF-style: chr19-622336-T-G.
Other names: c.1664A>C, p.Glu555Ala (NM_001407805.1, NM_001407808.1, NM_001407812.1 and 4 more transcripts); c.1655A>C, p.Glu552Ala (NM_001407806.1, NM_001407809.1); c.1652A>C, p.Glu551Ala (NM_001407807.1, NM_001407810.1); c.1622A>C, p.Glu541Ala (NM_001407811.1, NM_001407813.1); c.1340A>C, p.Glu447Ala (NM_001407831.1, NM_001407833.1, NM_001407835.1 and 1 more transcripts); c.1331A>C, p.Glu444Ala (NM_001407834.1); c.1626+246A>C (NM_001407832.1, NM_001407830.1); short protein forms E444A, E447A, E541A, E551A, E552A, E555A.
Identifiers: ClinVar variation 3060124 (VCV003060124.2), dbSNP rs2238549, ClinGen allele CA9020187.

ClinVar aggregate classification (germline): Benign (0 of 4 stars; one submission).

Conditions:
POLRMT-related disorder. Also called: POLRMT-related condition.

Allele frequency attached by ClinVar (database versions not stated): ESP Exome Variant Server 0.45118; gnomAD exomes 0.48957; TOPMed 0.54023; gnomAD 0.54355; ExAC 0.61194; 1000 Genomes Project 30x 0.61477; 1000 Genomes Project 0.62041.
gnomAD v4.1: 771,998 of 1,556,870 alleles (50%); highest among the groups gnomAD compares: South Asian, 74%; 197,311 homozygotes.

Submission:

PreventionGenetics, part of Exact Sciences
Classification: Benign for POLRMT-related condition. Last evaluated: 2024-02-07. Review status: no assertion criteria provided. Collection method: clinical testing. Allele origin: germline.
Comment: This variant is classified as benign based on ACMG/AMP sequence variant interpretation guidelines (Richards et al. 2015 PMID: 25741868, with internal and published modifications).